The following is an entry in ClinVar:

ClinVar aggregate classification (germline): Uncertain significance. Review status: criteria provided, multiple submitters, no conflicts (2 of 4 stars). 3 submissions from 3 submitters: Uncertain significance (2). 1 of the submissions does not count toward it. Last evaluated 2024-09-12.

Conditions:
Bloom syndrome (BLM). Also called: Bloom-Torre-Machacek syndrome. Identifiers: Orphanet 125, MedGen C0005859, MONDO:0008876, OMIM 210900.
Hereditary cancer-predisposing syndrome. Also called: Hereditary Cancer Syndrome; Hereditary neoplastic syndrome; Neoplastic Syndromes, Hereditary; Tumor predisposition. Identifiers: Orphanet 140162, MedGen C0027672, MeSH D009386, MONDO:0015356.

Allele frequency attached by ClinVar (database versions not stated): gnomAD exomes below 0.00001; TOPMed below 0.00001; gnomAD 0.00001.

Submissions (3):

Labcorp Genetics (formerly Invitae), Labcorp
Classification: Uncertain significance for Bloom syndrome. Last evaluated: 2024-09-12. Review status: criteria provided, single submitter. Criteria: Invitae Variant Classification Sherloc (09022015). Collection method: clinical testing. Allele origin: germline.
Comment: This sequence change replaces threonine, which is neutral and polar, with alanine, which is neutral and non-polar, at codon 203 of the BLM protein (p.Thr203Ala). This variant is present in population databases (no rsID available, gnomAD 0.0009%). This variant has not been reported in the literature in individuals affected with BLM-related conditions. ClinVar contains an entry for this variant (Variation ID: 405278). An algorithm developed to predict the effect of missense changes on protein structure and function outputs the following: PolyPhen-2: "Benign". The alanine amino acid residue is found in multiple mammalian species, which suggests that this missense change does not adversely affect protein function. In summary, the available evidence is currently insufficient to determine the role of this variant in disease. Therefore, it has been classified as a Variant of Uncertain Significance.

Ambry Genetics
Classification: Uncertain significance for Hereditary cancer-predisposing syndrome. Last evaluated: 2024-07-09. Review status: criteria provided, single submitter. Criteria: Ambry Variant Classification Scheme 2023. Collection method: clinical testing. Allele origin: germline.
Comment: The p.T203A variant (also known as c.607A>G), located in coding exon 2 of the BLM gene, results from an A to G substitution at nucleotide position 607. The threonine at codon 203 is replaced by alanine, an amino acid with similar properties. This amino acid position is conserved. In addition, this alteration is predicted to be tolerated by in silico analysis. Since supporting evidence is limited at this time, the clinical significance of this alteration remains unclear.

Natera, Inc.
Classification: Uncertain significance for Bloom syndrome. Last evaluated: 2020-10-20. Review status: no assertion criteria provided. Collection method: clinical testing. Allele origin: germline. Not counted in ClinVar's aggregate classification.

NM_000057.4(BLM):c.607A>G (p.Thr203Ala)

Gene: BLM (BLM RecQ like helicase; plus strand). Cytogenetic location: 15q26.1.
Variant type: single nucleotide variant.
Coding change: c.607A>G on transcript NM_000057.4 (MANE Select); coding-DNA position 607, A replaced by G.
Protein change: p.Thr203Ala; replaces threonine 203 with alanine.
Molecular consequence: missense variant. On other transcripts: 5 prime UTR variant (1).
Genome position (GRCh38, 1-based): chr15:90,749,875, A>G. VCF-style: chr15-90749875-A-G. GRCh37 (hg19) VCF-style: chr15-91293105-A-G.
Other names: c.607A>G, p.Thr203Ala (NM_001287246.2, NM_001287247.2); c.-685A>G (NM_001287248.2); c.607A>G (NM_000057.2); short protein forms T203A.
Identifiers: ClinVar variation 405278 (VCV000405278.14), dbSNP rs1060500633, ClinGen allele CA16614948.